The following is an entry in ClinVar:

NM_203447.4(DOCK8):c.1553T>G (p.Ile518Ser)

Gene: DOCK8 (dedicator of cytokinesis 8; plus strand). Cytogenetic location: 9p24.3.
Variant type: single nucleotide variant.
Coding change: c.1553T>G on transcript NM_203447.4 (MANE Select); coding-DNA position 1553, T replaced by G.
Protein change: p.Ile518Ser; replaces isoleucine 518 with serine.
Molecular consequence: missense variant.
Genome position (GRCh38, 1-based): chr9:340,195, T>G. VCF-style: chr9-340195-T-G. GRCh37 (hg19) VCF-style: chr9-340195-T-G.
Other names: c.1349T>G, p.Ile450Ser (NM_001190458.2, NM_001193536.2); short protein forms I450S, I518S.
Identifiers: ClinVar variation 3659128 (VCV003659128.2).

ClinVar aggregate classification (germline): Uncertain significance (1 of 4 stars; one submission).

Conditions:
Combined immunodeficiency due to DOCK8 deficiency (HIES2). Also called: HIES autosomal recessive; HYPER-IgE SYNDROME 2, AUTOSOMAL RECESSIVE, WITH RECURRENT INFECTIONS; DOCK8 Deficiency; Hyper-IgE recurrent infection syndrome, autosomal recessive; HYPER-IgE RECURRENT INFECTION SYNDROME 2, AUTOSOMAL RECESSIVE. Identifiers: Orphanet 217390, MedGen C4722305, MONDO:0009478, OMIM 243700.

Submission:

Labcorp Genetics (formerly Invitae), Labcorp
Classification: Uncertain significance for Combined immunodeficiency due to DOCK8 deficiency. Last evaluated: 2024-07-10. Review status: criteria provided, single submitter. Criteria: Invitae Variant Classification Sherloc (09022015). Collection method: clinical testing. Allele origin: germline.
Comment: This sequence change replaces isoleucine, which is neutral and non-polar, with serine, which is neutral and polar, at codon 518 of the DOCK8 protein (p.Ile518Ser). This variant is not present in population databases (gnomAD no frequency). This variant has not been reported in the literature in individuals affected with DOCK8-related conditions. Advanced modeling of protein sequence and biophysical properties (such as structural, functional, and spatial information, amino acid conservation, physicochemical variation, residue mobility, and thermodynamic stability) performed at Invitae indicates that this missense variant is not expected to disrupt DOCK8 protein function with a negative predictive value of 80%. In summary, the available evidence is currently insufficient to determine the role of this variant in disease. Therefore, it has been classified as a Variant of Uncertain Significance.